The following is an entry in ClinVar:

ClinVar aggregate classification (germline): Uncertain significance (1 of 4 stars; one submission).

Submission:

Labcorp Genetics (formerly Invitae), Labcorp
Classification: Uncertain significance. Last evaluated: 2024-02-20. Review status: criteria provided, single submitter. Criteria: Invitae Variant Classification Sherloc (09022015). Collection method: clinical testing. Allele origin: germline.
Comment: This sequence change replaces glutamic acid, which is acidic and polar, with lysine, which is basic and polar, at codon 103 of the TYMP protein (p.Glu103Lys). This variant is not present in population databases (gnomAD no frequency). This variant has not been reported in the literature in individuals affected with TYMP-related conditions. Advanced modeling of protein sequence and biophysical properties (such as structural, functional, and spatial information, amino acid conservation, physicochemical variation, residue mobility, and thermodynamic stability) performed at Invitae indicates that this missense variant is not expected to disrupt TYMP protein function with a negative predictive value of 95%. In summary, the available evidence is currently insufficient to determine the role of this variant in disease. Therefore, it has been classified as a Variant of Uncertain Significance.

NM_001953.5(TYMP):c.307G>A (p.Glu103Lys)

Gene: TYMP (thymidine phosphorylase; minus strand). Cytogenetic location: 22q13.33.
Variant type: single nucleotide variant.
Coding change: c.307G>A on transcript NM_001953.5 (MANE Select); coding-DNA position 307, G replaced by A.
Protein change: p.Glu103Lys; replaces glutamic acid 103 with lysine.
Molecular consequence: missense variant.
Genome position (GRCh38, 1-based): chr22:50,529,246, C>T on the plus strand (G>A on the coding strand, the complement: TYMP is on the minus strand). VCF-style: chr22-50529246-C-T. GRCh37 (hg19) VCF-style: chr22-50967675-C-T.
Other names: c.307G>A, p.Glu103Lys (NM_001113755.3, NM_001113756.3, NM_001257988.1 and 1 more transcripts); short protein forms E103K.
Identifiers: ClinVar variation 3626501 (VCV003626501.2).